The following is an entry in ClinVar:

ClinVar aggregate classification (germline): Uncertain significance (1 of 4 stars; one submission).

Conditions:
Infantile-onset X-linked spinal muscular atrophy. Also called: Spinal Muscular Atrophy, X-Linked Infantile; SPINAL MUSCULAR ATROPHY, X-LINKED LETHAL INFANTILE; ARTHROGRYPOSIS, X-LINKED, TYPE I; AMC, DISTAL, X-LINKED; Spinal muscular atrophy, X-linked 2. Identifiers: Orphanet 1145, MedGen C1844934, MONDO:0010532, OMIM 301830.

Allele frequency attached by ClinVar (database versions not stated): gnomAD exomes below 0.00001; gnomAD 0.00001; TOPMed 0.00001.
gnomAD v4.1: 2 of 1,210,667 alleles (0.00017%); highest among the groups gnomAD compares: Non-Finnish European, 0.00022%; no homozygotes.

Submission:

Labcorp Genetics (formerly Invitae), Labcorp
Classification: Uncertain significance for Infantile-onset X-linked spinal muscular atrophy. Last evaluated: 2022-05-22. Review status: criteria provided, single submitter. Criteria: Invitae Variant Classification Sherloc (09022015). Collection method: clinical testing. Allele origin: germline.
Comment: In summary, the available evidence is currently insufficient to determine the role of this variant in disease. Therefore, it has been classified as a Variant of Uncertain Significance. Algorithms developed to predict the effect of missense changes on protein structure and function are either unavailable or do not agree on the potential impact of this missense change (SIFT: "Tolerated"; PolyPhen-2: "Probably Damaging"; Align-GVGD: "Class C0"). This variant has not been reported in the literature in individuals affected with UBA1-related conditions. This variant is not present in population databases (gnomAD no frequency). This sequence change replaces serine, which is neutral and polar, with cysteine, which is neutral and slightly polar, at codon 620 of the UBA1 protein (p.Ser620Cys).

NM_003334.4(UBA1):c.1859C>G (p.Ser620Cys)

Gene: UBA1 (ubiquitin like modifier activating enzyme 1; plus strand). Cytogenetic location: Xp11.3.
Variant type: single nucleotide variant.
Coding change: c.1859C>G on transcript NM_003334.4 (MANE Select); coding-DNA position 1859, C replaced by G.
Protein change: p.Ser620Cys; replaces serine 620 with cysteine.
Molecular consequence: missense variant.
Genome position (GRCh38, 1-based): chrX:47,206,365, C>G. VCF-style: chrX-47206365-C-G. GRCh37 (hg19) VCF-style: chrX-47065764-C-G.
Other names: c.1859C>G, p.Ser620Cys (NM_153280.3); short protein forms S620C.
Identifiers: ClinVar variation 1938801 (VCV001938801.5), dbSNP rs1383263968, ClinGen allele CA412803020.